The following is an entry in ClinVar:

ClinVar aggregate classification (germline): Pathogenic (1 of 4 stars; one submission).

Conditions:
Linear skin defects with multiple congenital anomalies 1 (LSDMCA1). Also called: MIDAS SYNDROME; MLS syndrome; Microphthalmia with Linear Skin Defects Syndrome. Identifiers: Orphanet 2556, MedGen C0796070, MONDO:0024552, OMIM 309801.

Submission:

New York Genome Center
Classification: Pathogenic for Linear skin defects with multiple congenital anomalies 1. Last evaluated: 2024-06-12. Review status: criteria provided, single submitter. Criteria: NYGC Assertion Criteria 2020. Collection method: clinical testing. Allele origin: de novo. Affected: yes. Observed: 1 variant allele.
Comment: An approximately ~209Kb de novo interstitial deletion was identified on the short arm of chromosome X (Xp22.2). The deleted region contains three genes: AMELX, HCCS , and most of the ARHGAP6 gene (exons 2-13). AMELX is associated with Amelogenesis imperfecta [XLD; MIM#301200], an inherited dental defect of enamel formation. HCCS is associated with Linear skin defects with multiple congenital anomalies, also known as Microphthalmia with linear skin defects (MLS) syndrome [XLD; MIM#309801], an X-linked disorder which is lethal in males. In females, the disorder is characterized by features of unilateral or bilateral microphthalmia and linear skin defects affecting face and neck. Inter- and intrafamilial clinical variability has been described possibly due to either parental mosaicism or variable degree of skewed X-chromosome inactivation in females with MLS syndrome [PMID: 17033964,20301767, 24735900, 36369709].Deletions of similar size and/or gene content are absent from gnomAD CNVs v4.1.0 and gnomAD SVs v4.1.0 databases suggesting that the ~209kb deletion is not a common polymorphism in the populations represented in those datasets. A similar overlapping Xp22.2 microdeletion of ~185-220kb size has previously been reported in the literature in two affected individuals with features of microphthalmia with linear skin defects (MLS) and was found to co-segregate with the disease phenotype [PMID: 23401659]. Of note, this overlapping deletion has also been deposited in decipher database [Patient IDs #255414 and #255415]. Furthermore, several other Xp22.2 microdeletions of variable size involving either partial or complete HCCS gene have alsobeen reported in multiple affected individuals with MLS in the literature [PMID: 17033964, 24735900, 36369709]. Based on available evidence this ~202 kb apparently de novo heterozygous deletion at Xp22.2 is classified as Pathogenic.

GRCh38/hg38 Xp22.2(chrX:11106826-11315518)x1

Genes: AMELX (amelogenin X-linked; plus strand), ARHGAP6 (Rho GTPase activating protein 6; minus strand), HCCS (holocytochrome c synthase; plus strand), HCCS-DT (HCCS divergent transcript; minus strand), LOC125446271 (Sharpr-MPRA regulatory region 12683; plus strand) and 1 more. Cytogenetic location: Xp22.2.
Variant type: copy number loss.
Change: copy number 1 of chrX:11,106,826-11,315,518 (208.7 kb, GRCh38 coordinates, 1-based), cytogenetic band Xp22.2.
Identifiers: ClinVar variation 4888378 (VCV004888378.1).